The following is an entry in ClinVar:

ClinVar aggregate classification (germline): Uncertain significance (1 of 4 stars; one submission).

Submission:

Labcorp Genetics (formerly Invitae), Labcorp
Classification: Uncertain significance. Last evaluated: 2024-10-31. Review status: criteria provided, single submitter. Criteria: Invitae Variant Classification Sherloc (09022015). Collection method: clinical testing. Allele origin: germline.
Comment: This sequence change creates a premature translational stop signal (p.Val44Cysfs*55) in the GSN gene. It is expected to result in an absent or disrupted protein product. However, the current clinical and genetic evidence is not sufficient to establish whether loss-of-function variants in GSN cause disease. This variant is not present in population databases (gnomAD no frequency). This variant has not been reported in the literature in individuals affected with GSN-related conditions. In summary, the available evidence is currently insufficient to determine the role of this variant in disease. Therefore, it has been classified as a Variant of Uncertain Significance.

NM_198252.3(GSN):c.-9-1972del

Gene: GSN (gelsolin; plus strand). Cytogenetic location: 9q33.2.
Variant type: Deletion.
Coding change: c.-9-1972del on transcript NM_198252.3 (MANE Select); 1972 bases into the intron before 9 bases upstream of the start codon, one base deleted (G; older notation c.-9-1972delG).
Molecular consequence: intron variant. On other transcripts: frameshift variant (1).
Genome position (GRCh38, 1-based): chr9:121,299,991, G deleted; the last of 3 consecutive G bases (chr9:121,299,989-121,299,991); deleting any one gives the same sequence. VCF-style (leftmost placement, unchanged base first): chr9-121299988-CG-C. GRCh37 (hg19) VCF-style: chr9-124062266-CG-C.
Other names: c.130del, p.Val44fs (NM_000177.5); c.-9-1972del (NM_001353054.1, NM_001353053.1, NM_001353060.2 and 5 more transcripts); c.-47-65del (NM_001353064.2, NM_001353066.2, NM_001353072.2 and 8 more transcripts); c.-1-1980del (NM_001353058.2, NM_001353059.2, NM_001353056.2 and 1 more transcripts); c.-38-74del (NM_001353073.2, NM_001353065.2, NM_001353068.2 and 2 more transcripts); c.100-1972del (NM_001127663.2); c.-32-80del (NM_001353070.2); c.-48-1933del (NM_001353055.2); and 3 more; short protein forms V44fs.
Identifiers: ClinVar variation 3691540 (VCV003691540.2).